The following is an entry in ClinVar:

ClinVar aggregate classification (germline): Pathogenic. Review status: criteria provided, multiple submitters, no conflicts (2 of 4 stars). 2 submissions from 2 submitters: Pathogenic (2). Last evaluated 2024-01-01.

Conditions:
VHL-related disorder. Also called: VHL-related condition.
Von Hippel-Lindau syndrome (VHLS). Also called: von Hippel–Lindau syndrome; Von Hippel-Lindau; VHL syndrome. Identifiers: Orphanet 892, MedGen C0019562, MONDO:0008667, OMIM 193300. Disease mechanism: loss of function.

Submissions (2):

Daryl Scott Lab, Baylor College of Medicine
Classification: Pathogenic for VHL-related disorder. Last evaluated: 2024-01-01. Review status: criteria provided, single submitter. Criteria: ACMG Guidelines, 2015. Collection method: clinical testing. Allele origin: unknown. Affected: yes. Observed: 1 heterozygote.
Comment: PVS1, PM2

Genomic Medicine Center of Excellence, King Faisal Specialist Hospital and Research Centre
Classification: Pathogenic for Von Hippel-Lindau syndrome. Last evaluated: 2021-01-04. Review status: criteria provided, single submitter. Criteria: ACMG Guidelines, 2015. Collection method: clinical testing. Allele origin: germline. Affected: yes.

NM_000551.4(VHL):c.363del (p.Asp121fs)

Genes: VHL (von Hippel-Lindau tumor suppressor; plus strand), LOC107303340 (3p25 von Hippel-Lindau tumor suppressor, E3 ubiquitin protein ligase Alu-mediated recombination region; plus strand). Cytogenetic location: 3p25.3.
Variant type: Deletion.
Coding change: c.363del on transcript NM_000551.4 (MANE Select); coding-DNA position 363, one base deleted (T; older notation c.363delT).
Protein change: p.Asp121fs; shifts the reading frame from aspartic acid 121.
Molecular consequence: frameshift variant. On other transcripts: intron variant (2).
Genome position (GRCh38, 1-based): chr3:10,146,536, T deleted. VCF-style (leftmost placement, unchanged base first): chr3-10146535-AT-A. GRCh37 (hg19) VCF-style: chr3-10188219-AT-A.
Other names: c.363delT (NM_000551.4); c.*18-3251del (NM_001354723.2); c.341-3251del (NM_198156.3); short protein forms D121fs.
Identifiers: ClinVar variation 1177419 (VCV001177419.4), dbSNP rs2125128271, ClinGen allele CA2499216383.
Genomic context (GRCh38, chr3:10,146,535, plus strand): 5'-CCGGTGTGGCTCTTTAACAACCTTTGCTTGTCCCGATAGGTCACCTTTGGCTCTTCAGAG[AT>A]GCAGGGACACACGATGGGCTTCTGGTTAACCAAACTGAATTATTTGTGCCATCTCTCAAT-3'